The following is an entry in ClinVar:

NM_001199107.2(TBC1D24):c.997T>G (p.Leu333Val)

Gene: TBC1D24 (TBC1 domain family member 24; plus strand). Cytogenetic location: 16p13.3.
Variant type: single nucleotide variant.
Coding change: c.997T>G on transcript NM_001199107.2 (MANE Select); coding-DNA position 997, T replaced by G.
Protein change: p.Leu333Val; replaces leucine 333 with valine.
Molecular consequence: missense variant.
Genome position (GRCh38, 1-based): chr16:2,498,251, T>G. VCF-style: chr16-2498251-T-G. GRCh37 (hg19) VCF-style: chr16-2548252-T-G.
Other names: c.979T>G, p.Leu327Val (NM_020705.3); short protein forms L327V, L333V.
Identifiers: ClinVar variation 970953 (VCV000970953.13), dbSNP rs753105655, ClinGen allele CA7844133.

ClinVar aggregate classification (germline): Conflicting classifications of pathogenicity. Review status: criteria provided, conflicting classifications (1 of 4 stars). 3 submissions from 3 submitters: Uncertain significance (2); Likely benign (1). Last evaluated 2025-07-27.

Conditions:
Developmental and epileptic encephalopathy, 1 (DEE1). Also called: X-linked infantile spasms; West's syndrome; Tonic spasms with clustering, arrest of psychomotor development and hypsarrhythmia on EEG; X-Linked Infantile Spasm Syndrome; OHTAHARA SYNDROME, X-LINKED; Epileptic encephalopathy, early infantile, 1. Identifiers: MedGen C3463992, MONDO:0010632, OMIM 308350. Disease mechanism: loss of function.
Autosomal dominant nonsyndromic hearing loss 65. Also called: Deafness, autosomal dominant 65; TBC1D24-Related Autosomal Dominant Nonsyndromic Hearing Loss (DFNA). Identifiers: Orphanet 90635, MedGen C3892048, MONDO:0014470, OMIM 616044.
Inborn genetic diseases. Identifiers: MedGen C0950123, MeSH D030342.

Allele frequency attached by ClinVar (database versions not stated): ExAC 0.00003; gnomAD exomes 0.00001 and 0.00002; TOPMed 0.00003; gnomAD 0.00002.
gnomAD v4.1: 24 of 1,609,588 alleles (0.0015%); highest among the groups gnomAD compares: East Asian, 0.0022%; no homozygotes.

Submissions (3):

Labcorp Genetics (formerly Invitae), Labcorp
Classification: Uncertain significance for Developmental and epileptic encephalopathy, 1; Autosomal dominant nonsyndromic hearing loss 65. Last evaluated: 2025-07-27. Review status: criteria provided, single submitter. Criteria: Invitae Variant Classification Sherloc (09022015). Collection method: clinical testing. Allele origin: germline.
Comment: This sequence change replaces leucine, which is neutral and non-polar, with valine, which is neutral and non-polar, at codon 333 of the TBC1D24 protein (p.Leu333Val). This variant is present in population databases (rs753105655, gnomAD 0.006%). This variant has not been reported in the literature in individuals affected with TBC1D24-related conditions. ClinVar contains an entry for this variant (Variation ID: 970953). Invitae Evidence Modeling of protein sequence and biophysical properties (such as structural, functional, and spatial information, amino acid conservation, physicochemical variation, residue mobility, and thermodynamic stability) has been performed for this missense variant. However, the output from this modeling did not meet the statistical confidence thresholds required to predict the impact of this variant on TBC1D24 protein function. In summary, the available evidence is currently insufficient to determine the role of this variant in disease. Therefore, it has been classified as a Variant of Uncertain Significance.

Ambry Genetics
Classification: Likely benign for Inborn genetic diseases. Last evaluated: 2024-06-05. Review status: criteria provided, single submitter. Criteria: Ambry Variant Classification Scheme 2023. Collection method: clinical testing. Allele origin: germline.

GeneDx
Classification: Uncertain significance. Last evaluated: 2023-03-24. Review status: criteria provided, single submitter. Criteria: GeneDx Variant Classification Process June 2021. Collection method: clinical testing. Allele origin: germline. Affected: yes.
Comment: Not observed at significant frequency in large population cohorts (gnomAD); In silico analysis supports that this missense variant does not alter protein structure/function; Has not been previously published as pathogenic or benign to our knowledge